The following is an entry in ClinVar:

ClinVar aggregate classification (germline): Benign. Review status: criteria provided, multiple submitters, no conflicts (2 of 4 stars). 2 submissions from 2 submitters: Benign (2). Last evaluated 2018-01-12.

Conditions:
SRD5A3-congenital disorder of glycosylation. Also called: CDG Iq; COLOBOMA, OCULAR, WITH ICHTHYOSIS, BRAIN MALFORMATIONS, AND ENDOCRINE ABNORMALITIES; Ocular colobomas, ichthyosis, brain malformations and endocrine abnormalities; Congenital disorder of glycosylation type 1Q; SRD5A3-CDG. Identifiers: Orphanet 324737, MedGen C4317224, MONDO:0012885, OMIM 612379.

Allele frequency attached by ClinVar (database versions not stated): TOPMed 0.64789; gnomAD 0.65365 and 0.66009; 1000 Genomes Project 0.68870; 1000 Genomes Project 30x 0.68973.

Submissions (2):

Illumina Laboratory Services, Illumina
Classification: Benign for SRD5A3-congenital disorder of glycosylation. Last evaluated: 2018-01-12. Review status: criteria provided, single submitter. Criteria: ICSL Variant Classification Criteria 13 December 2019. Collection method: clinical testing. Allele origin: germline.
Comment: This variant was observed in the ICSL laboratory as part of a predisposition screen in an ostensibly healthy population. It had not been previously curated by ICSL or reported in the Human Gene Mutation Database (HGMD: prior to June 1st, 2018), and was therefore a candidate for classification through an automated scoring system. Utilizing variant allele frequency, disease prevalence and penetrance estimates, and inheritance mode, an automated score was calculated to assess if this variant is too frequent to cause the disease. Based on the score and internal cut-off values, a variant classified as benign is not then subjected to further curation. The score for this variant resulted in a classification of benign for this disease.

Breakthrough Genomics
Classification: Benign. Review status: criteria provided, single submitter. Criteria: ACMG Guidelines, 2015. Collection method: not provided. Allele origin: germline. Inheritance: Autosomal recessive inheritance. Affected: yes.

NM_024592.5(SRD5A3):c.*1069G>A

Genes: SRD5A3-AS1 (SRD5A3 antisense RNA 1; minus strand), SRD5A3 (steroid 5 alpha-reductase 3; plus strand). Cytogenetic location: 4q12.
Variant type: single nucleotide variant.
Coding change: c.*1069G>A on transcript NM_024592.5 (MANE Select); 1069 bases downstream of the stop codon, G replaced by A.
Molecular consequence: 3 prime UTR variant.
Genome position (GRCh38, 1-based): chr4:55,371,160, G>A. VCF-style: chr4-55371160-G-A. GRCh37 (hg19) VCF-style: chr4-56237327-G-A.
Identifiers: ClinVar variation 349024 (VCV000349024.6), dbSNP rs501679, ClinGen allele CA10621228.
Genomic context (GRCh38, chr4:55,371,160, plus strand): 5'-CTTCAAAAATGAAAGCATCAGAAGATAAAATATTTTTATATTTATGCATAGCAAGCCTTC[G>A]TGAACGGAAGTGACACACTCTGGATTGAATAATACTGTAGCCTCATTCATATGTAGTTAT-3'